The following is an entry in ClinVar:

NM_198525.3(KIF7):c.2836A>G (p.Lys946Glu)

Gene: KIF7 (kinesin family member 7; minus strand). Cytogenetic location: 15q26.1.
Variant type: single nucleotide variant.
Coding change: c.2836A>G on transcript NM_198525.3 (MANE Select); coding-DNA position 2836, A replaced by G.
Protein change: p.Lys946Glu; replaces lysine 946 with glutamic acid.
Molecular consequence: missense variant.
Genome position (GRCh38, 1-based): chr15:89,632,879, T>C on the plus strand (A>G on the coding strand, the complement: KIF7 is on the minus strand). VCF-style: chr15-89632879-T-C. GRCh37 (hg19) VCF-style: chr15-90176110-T-C.
Other names: c.2836A>G (NM_198525.2); short protein forms K946E.
Identifiers: ClinVar variation 2185927 (VCV002185927.5), dbSNP rs372233228, ClinGen allele CA7727937.

ClinVar aggregate classification (germline): Uncertain significance. Review status: criteria provided, multiple submitters, no conflicts (2 of 4 stars). 2 submissions from 2 submitters: Uncertain significance (2). Last evaluated 2025-11-06.

Conditions:
Acrocallosal syndrome (ACLS). Also called: HALLUX DUPLICATION, POSTAXIAL POLYDACTYLY, AND ABSENCE OF CORPUS CALLOSUM; Schinzel syndrome 1; Absence of corpus callosum with unusual facial appearance, mental deficiency, duplication of the halluces and polydactyly. Identifiers: Orphanet 36, MedGen C0796147, MONDO:0008708, OMIM 200990.
Inborn genetic diseases. Identifiers: MedGen C0950123, MeSH D030342.

Allele frequency attached by ClinVar (database versions not stated): ExAC 0.00001; gnomAD 0.00001; gnomAD exomes 0.00001; ESP Exome Variant Server 0.00008.
gnomAD v4.1: 21 of 1,610,254 alleles (0.0013%); highest among the groups gnomAD compares: South Asian, 0.0022%; no homozygotes.

Submissions (2):

Ambry Genetics
Classification: Uncertain significance for Inborn genetic diseases. Last evaluated: 2025-11-06. Review status: criteria provided, single submitter. Criteria: Ambry Variant Classification Scheme 2023. Collection method: clinical testing. Allele origin: germline.

Labcorp Genetics (formerly Invitae), Labcorp
Classification: Uncertain significance for Acrocallosal syndrome. Last evaluated: 2025-07-31. Review status: criteria provided, single submitter. Criteria: Invitae Variant Classification Sherloc (09022015). Collection method: clinical testing. Allele origin: germline.
Comment: This sequence change replaces lysine, which is basic and polar, with glutamic acid, which is acidic and polar, at codon 946 of the KIF7 protein (p.Lys946Glu). This variant is present in population databases (rs372233228, gnomAD 0.004%). This variant has not been reported in the literature in individuals affected with KIF7-related conditions. ClinVar contains an entry for this variant (Variation ID: 2185927). Invitae Evidence Modeling of protein sequence and biophysical properties (such as structural, functional, and spatial information, amino acid conservation, physicochemical variation, residue mobility, and thermodynamic stability) indicates that this missense variant is expected to disrupt KIF7 protein function with a positive predictive value of 80%. In summary, the available evidence is currently insufficient to determine the role of this variant in disease. Therefore, it has been classified as a Variant of Uncertain Significance.